The following is an entry in ClinVar:

ClinVar aggregate classification (germline): Pathogenic (1 of 4 stars; one submission).

Conditions:
Split hand-foot malformation 1. Also called: SPLIT-HAND DEFORMITY; SPLIT-HAND/FOOT DEFORMITY 1; Split-hand/foot malformation 1; SPLIT-HAND/FOOT MALFORMATION 1 WITH OR WITHOUT DEAFNESS; Split hand foot deformity 1; Split hand malformation1. Identifiers: Orphanet 2440, MedGen C2931019, MONDO:0008464, OMIM 183600.

Submission:

Department of Medical Genetics, Sanjay Gandhi Post Graduate Institute of Medical Sciences
Classification: Pathogenic for Split hand-foot malformation 1. Last evaluated: 2015-09-28. Review status: criteria provided, single submitter. Criteria: ACMG Guidelines, 2013. Collection method: clinical testing. Allele origin: unknown. Inheritance: Autosomal dominant inheritance. Affected: yes. Observed: 1 variant allele, 1 heterozygote.
Comment: CMA analysis revealed a deletion of 7.2Mb at chromosome 7q21.2. This region includes genes DYNC1I1, DLX5, DLX6, SLC25A13, SMAD9, PEG10, PPP1R9A, CDK6. This is a known region of split-hand/foot malformation-1 (SHFM1). Deletions of varying sizes are reported as pathogenic in ISCA and DECIPHER.

GRCh37/hg19 7q21.2-22.1(chr7:92445452-99686985)x1

Genes: ARPC1A (actin related protein 2/3 complex subunit 1A; plus strand), ARPC1B (actin related protein 2/3 complex subunit 1B; plus strand), ASB4 (ankyrin repeat and SOCS box containing 4; plus strand), ASNS (asparagine synthetase (glutamine-hydrolyzing); minus strand), ATP5MF (ATP synthase membrane subunit f; minus strand) and 62 more. Cytogenetic location: 7q21.2-22.1.
Variant type: copy number loss.
Change: copy number 1 (one copy instead of two) of chr7:92,445,452-99,686,985 (7.24 Mb, GRCh37 coordinates, 1-based), cytogenetic band 7q21.2-22.1.
Other names: arr[GRCh37]7q21.2q22.1(92445452_99686985)x1.
Identifiers: ClinVar variation 545583 (VCV000545583.2).